The following is an entry in ClinVar:

ClinVar aggregate classification (germline): Uncertain significance (1 of 4 stars; one submission).

Allele frequency attached by ClinVar (database versions not stated): gnomAD exomes below 0.00001; TOPMed below 0.00001.
gnomAD v4.1: 1 of 1,609,520 alleles (0.000062%); highest among the groups gnomAD compares: Non-Finnish European, 0.000085%; no homozygotes.

Submission:

Labcorp Genetics (formerly Invitae), Labcorp
Classification: Uncertain significance. Last evaluated: 2021-04-19. Review status: criteria provided, single submitter. Criteria: Invitae Variant Classification Sherloc (09022015). Collection method: clinical testing. Allele origin: germline.
Comment: Algorithms developed to predict the effect of missense changes on protein structure and function (SIFT, PolyPhen-2, Align-GVGD) all suggest that this variant is likely to be disruptive, but these predictions have not been confirmed by published functional studies and their clinical significance is uncertain. In summary, the available evidence is currently insufficient to determine the role of this variant in disease. Therefore, it has been classified as a Variant of Uncertain Significance. This variant has not been reported in the literature in individuals with ADAMTS10-related conditions. This sequence change replaces valine with alanine at codon 137 of the ADAMTS10 protein (p.Val137Ala). The valine residue is highly conserved and there is a small physicochemical difference between valine and alanine. This variant is not present in population databases (ExAC no frequency).

NM_030957.4(ADAMTS10):c.410T>C (p.Val137Ala)

Gene: ADAMTS10 (ADAM metallopeptidase with thrombospondin type 1 motif 10; minus strand). Cytogenetic location: 19p13.2.
Variant type: single nucleotide variant.
Coding change: c.410T>C on transcript NM_030957.4 (MANE Select); coding-DNA position 410, T replaced by C.
Protein change: p.Val137Ala; replaces valine 137 with alanine.
Molecular consequence: missense variant.
Genome position (GRCh38, 1-based): chr19:8,605,037, A>G on the plus strand (T>C on the coding strand, the complement: ADAMTS10 is on the minus strand). VCF-style: chr19-8605037-A-G. GRCh37 (hg19) VCF-style: chr19-8669922-A-G.
Other names: short protein forms V137A.
Identifiers: ClinVar variation 1464397 (VCV001464397.8), dbSNP rs2042704187, ClinGen allele CA403757310.
Genomic context (GRCh38, chr19:8,605,037, plus strand): 5'-GCATTTCCCCCCGCGTTCCAGAATCCTCAGCTCACCAGGCCTCCACAGGTGCTGATGGCC[A>G]CATGGGAGCTGCTGGCCTGGCCCTGCAGGTGACCAGCGTAGAGGCAGTGGGGCCGGGCCG-3'
Protein context (NP_112219.3, residues 127-147): HLQGQASSSH[Val137Ala]AISTCGGLHG